The following is an entry in ClinVar:

ClinVar aggregate classification (germline): Uncertain significance (1 of 4 stars; one submission).

Submission:

Labcorp Genetics (formerly Invitae), Labcorp
Classification: Uncertain significance. Last evaluated: 2022-11-22. Review status: criteria provided, single submitter. Criteria: Invitae Variant Classification Sherloc (09022015). Collection method: clinical testing. Allele origin: germline.
Comment: In summary, the available evidence is currently insufficient to determine the role of this variant in disease. Therefore, it has been classified as a Variant of Uncertain Significance. Advanced modeling of protein sequence and biophysical properties (such as structural, functional, and spatial information, amino acid conservation, physicochemical variation, residue mobility, and thermodynamic stability) performed at Invitae indicates that this missense variant is not expected to disrupt ADGRV1 protein function. This variant has not been reported in the literature in individuals affected with ADGRV1-related conditions. This variant is not present in population databases (gnomAD no frequency). This sequence change replaces leucine, which is neutral and non-polar, with serine, which is neutral and polar, at codon 2895 of the ADGRV1 protein (p.Leu2895Ser).

NM_032119.4(ADGRV1):c.8684T>C (p.Leu2895Ser)

Gene: ADGRV1 (adhesion G protein-coupled receptor V1; plus strand). Cytogenetic location: 5q14.3.
Variant type: single nucleotide variant.
Coding change: c.8684T>C on transcript NM_032119.4 (MANE Select); coding-DNA position 8684, T replaced by C.
Protein change: p.Leu2895Ser; replaces leucine 2895 with serine.
Molecular consequence: missense variant. On other transcripts: non-coding transcript variant (1).
Genome position (GRCh38, 1-based): chr5:90,706,348, T>C. VCF-style: chr5-90706348-T-C. GRCh37 (hg19) VCF-style: chr5-90002165-T-C.
Other names: short protein forms L2895S.
Identifiers: ClinVar variation 1996931 (VCV001996931.4), dbSNP rs2531093558, ClinGen allele CA360392250.